The following is an entry in ClinVar:

NM_001388303.1(HECTD4):c.12726G>A (p.Ala4242=)

Gene: HECTD4 (HECT domain E3 ubiquitin protein ligase 4; minus strand). Cytogenetic location: 12q24.13.
Variant type: single nucleotide variant.
Coding change: c.12726G>A on transcript NM_001388303.1 (MANE Select); coding-DNA position 12726, G replaced by A.
Protein change: p.Ala4242=; no amino-acid change (alanine 4242 retained).
Molecular consequence: synonymous variant.
Genome position (GRCh38, 1-based): chr12:112,163,713, C>T on the plus strand (G>A on the coding strand, the complement: HECTD4 is on the minus strand). VCF-style: chr12-112163713-C-T. GRCh37 (hg19) VCF-style: chr12-112601517-C-T.
Other names: c.12756G>A, p.Ala4252= (NM_001109662.4).
Identifiers: ClinVar variation 2643334 (VCV002643334.25), dbSNP rs61748839, ClinGen allele CA6795547.

ClinVar aggregate classification (germline): Likely benign. Review status: criteria provided, multiple submitters, no conflicts (2 of 4 stars). 2 submissions from 2 submitters: Likely benign (2). Last evaluated 2026-06-01.

Allele frequency attached by ClinVar (database versions not stated): 1000 Genomes Project 30x 0.00172; 1000 Genomes Project 0.00180; TOPMed 0.00229; ESP Exome Variant Server 0.00261; ExAC 0.00348; gnomAD exomes 0.00391.
gnomAD v4.1: 5,732 of 1,490,318 alleles (0.38%); highest among the groups gnomAD compares: Non-Finnish European, 0.39%; 25 homozygotes.

Submissions (2):

CeGaT Center for Human Genetics Tuebingen
Classification: Likely benign. Last evaluated: 2026-06-01. Review status: criteria provided, single submitter. Criteria: CeGaT Center For Human Genetics Tuebingen Variant Classification Criteria Version 2. Collection method: clinical testing. Allele origin: germline. Affected: yes. Observed: 6 variant alleles.
Comment: HECTD4: BP4, BP7, BS2

Blueprint Genetics
Classification: Likely benign. Last evaluated: 2024-11-08. Review status: criteria provided, single submitter. Criteria: ACMG Guidelines, 2015. Collection method: clinical testing. Allele origin: germline.